The following is an entry in ClinVar:

ClinVar aggregate classification (germline): Uncertain significance (1 of 4 stars; one submission).

Conditions:
Spastic paraplegia. Identifiers: MedGen C0037772, HP:0001258.

Allele frequency attached by ClinVar (database versions not stated): TOPMed 0.00001; gnomAD exomes 0.00002; ExAC 0.00001; gnomAD 0.00001; ESP Exome Variant Server 0.00008.
gnomAD v4.1: 43 of 1,613,992 alleles (0.0027%); highest among the groups gnomAD compares: Non-Finnish European, 0.003%; no homozygotes.

Submission:

Labcorp Genetics (formerly Invitae), Labcorp
Classification: Uncertain significance for Spastic paraplegia. Last evaluated: 2023-06-29. Review status: criteria provided, single submitter. Criteria: Invitae Variant Classification Sherloc (09022015). Collection method: clinical testing. Allele origin: germline.
Comment: In summary, the available evidence is currently insufficient to determine the role of this variant in disease. Therefore, it has been classified as a Variant of Uncertain Significance. Advanced modeling of protein sequence and biophysical properties (such as structural, functional, and spatial information, amino acid conservation, physicochemical variation, residue mobility, and thermodynamic stability) performed at Invitae indicates that this missense variant is expected to disrupt CYP2U1 protein function. ClinVar contains an entry for this variant (Variation ID: 2055654). This variant has not been reported in the literature in individuals affected with CYP2U1-related conditions. The frequency data for this variant in the population databases is considered unreliable, as metrics indicate poor data quality at this position in the gnomAD database. This sequence change replaces aspartic acid, which is acidic and polar, with valine, which is neutral and non-polar, at codon 319 of the CYP2U1 protein (p.Asp319Val).

NM_183075.3(CYP2U1):c.956A>T (p.Asp319Val)

Gene: CYP2U1 (cytochrome P450 family 2 subfamily U member 1; plus strand). Cytogenetic location: 4q25.
Variant type: single nucleotide variant.
Coding change: c.956A>T on transcript NM_183075.3 (MANE Select); coding-DNA position 956, A replaced by T.
Protein change: p.Asp319Val; replaces aspartic acid 319 with valine.
Molecular consequence: missense variant.
Genome position (GRCh38, 1-based): chr4:107,945,435, A>T. VCF-style: chr4-107945435-A-T. GRCh37 (hg19) VCF-style: chr4-108866591-A-T.
Other names: short protein forms D319V.
Identifiers: ClinVar variation 2055654 (VCV002055654.4), dbSNP rs376043604, ClinGen allele CA3037082.